The following is an entry in ClinVar:

NM_001035.3(RYR2):c.49-10C>T

Gene: RYR2 (ryanodine receptor 2; plus strand). Cytogenetic location: 1q43.
Variant type: single nucleotide variant.
Coding change: c.49-10C>T on transcript NM_001035.3 (MANE Select); 10 bases into the intron before coding-DNA position 49, C replaced by T.
Molecular consequence: intron variant.
Genome position (GRCh38, 1-based): chr1:237,270,487, C>T. VCF-style: chr1-237270487-C-T. GRCh37 (hg19) VCF-style: chr1-237433787-C-T.
Identifiers: ClinVar variation 764835 (VCV000764835.15), dbSNP rs760891474, ClinGen allele CA086774.

ClinVar aggregate classification (germline): Likely benign. Review status: criteria provided, multiple submitters, no conflicts (2 of 4 stars). 3 submissions from 3 submitters: Likely benign (3). Last evaluated 2024-01-21.

Conditions:
Catecholaminergic polymorphic ventricular tachycardia (CVPT). Also called: Catecholamine-induced polymorphic ventricular tachycardia. Identifiers: Orphanet 3286, MedGen C5574922, MONDO:0017990.
Catecholaminergic polymorphic ventricular tachycardia 1. Also called: VENTRICULAR TACHYCARDIA, STRESS-INDUCED POLYMORPHIC 1; VENTRICULAR TACHYCARDIA, CATECHOLAMINERGIC POLYMORPHIC, 1, WITH OR WITHOUT ATRIAL DYSFUNCTION AND/OR DILATED CARDIOMYOPATHY; RYR2-Related Catecholaminergic Polymorphic Ventricular Tachycardia. Identifiers: Orphanet 3286, MedGen C1631597, MONDO:0011484, OMIM 604772.
Cardiomyopathy (CMYO). Also called: Cardiomyopathies. Identifiers: Orphanet 167848, MedGen C0878544, MONDO:0004994, HP:0001638. Inheritance: Various modes of inheritance.

Allele frequency attached by ClinVar (database versions not stated): gnomAD 0.00001; TOPMed 0.00001; ExAC 0.00010.
gnomAD v4.1: 28 of 1,568,282 alleles (0.0018%); highest among the groups gnomAD compares: Non-Finnish European, 0.0024%; no homozygotes.

Submissions (3):

Labcorp Genetics (formerly Invitae), Labcorp
Classification: Likely benign for Catecholaminergic polymorphic ventricular tachycardia 1. Last evaluated: 2024-01-21. Review status: criteria provided, single submitter. Criteria: Invitae Variant Classification Sherloc (09022015). Collection method: clinical testing. Allele origin: germline.

All of Us Research Program, National Institutes of Health
Classification: Likely benign for Catecholaminergic polymorphic ventricular tachycardia. Last evaluated: 2023-04-28. Review status: criteria provided, single submitter. Criteria: ACMG Guidelines, 2015. Collection method: clinical testing. Allele origin: germline. Inheritance: Autosomal dominant inheritance. Observed: 1 variant allele, 1 heterozygote.
Comment: This study involves interpretation of variants in research participants for the purpose of population health screening. Participant phenotype was not available at the time of variant classification. Additional details can be found in publication PMID: 35346344, PMCID: PMC8962531

Color Diagnostics, LLC DBA Color Health
Classification: Likely benign for Cardiomyopathy. Last evaluated: 2020-01-14. Review status: criteria provided, single submitter. Criteria: ACMG Guidelines, 2015. Collection method: clinical testing. Allele origin: germline.